The following is an entry in ClinVar:

ClinVar aggregate classification (germline): Benign (1 of 4 stars; one submission).

Allele frequency attached by ClinVar (database versions not stated): gnomAD exomes 0.00270; gnomAD 0.02602 and 0.02787; 1000 Genomes Project 0.02955; TOPMed 0.03041; 1000 Genomes Project 30x 0.03107.
gnomAD v4.1: 5,639 of 744,328 alleles (0.76%); highest among the groups gnomAD compares: African/African-American, 9%; 216 homozygotes.

Submission:

GeneDx
Classification: Benign. Last evaluated: 2018-06-19. Review status: criteria provided, single submitter. Criteria: GeneDx Variant Classification (06012015). Collection method: clinical testing. Allele origin: germline. Affected: yes.
Comment: This variant is considered likely benign or benign based on one or more of the following criteria: it is a conservative change, it occurs at a poorly conserved position in the protein, it is predicted to be benign by multiple in silico algorithms, and/or has population frequency not consistent with disease.

NM_001080449.3(DNA2):c.940-98T>G

Gene: DNA2 (DNA replication helicase/nuclease 2; minus strand). Cytogenetic location: 10q21.3.
Variant type: single nucleotide variant.
Coding change: c.940-98T>G on transcript NM_001080449.3 (MANE Select); 98 bases into the intron before coding-DNA position 940, T replaced by G.
Molecular consequence: intron variant.
Genome position (GRCh38, 1-based): chr10:68,446,511, A>C on the plus strand (T>G on the coding strand, the complement: DNA2 is on the minus strand). VCF-style: chr10-68446511-A-C. GRCh37 (hg19) VCF-style: chr10-70206268-A-C.
Identifiers: ClinVar variation 676738 (VCV000676738.1), dbSNP rs77178607, ClinGen allele CA208214782.
Genomic context (GRCh38, chr10:68,446,511, plus strand): 5'-ACTTCTTGTATTTCCTTACATTGTCTTGCAACCAACACATAATTTTAAACTCAAAAGATC[A>C]ATAAAGTTATTTCTATTTAATAAGTAACATGAGCCAAATTGGTAAAGATAACACAACAAA-3'